The following is an entry in ClinVar:

NM_001367624.2(ZNF469):c.9365A>G (p.Gln3122Arg)

Gene: ZNF469 (zinc finger protein 469; plus strand). Cytogenetic location: 16q24.2.
Variant type: single nucleotide variant.
Coding change: c.9365A>G on transcript NM_001367624.2 (MANE Select); coding-DNA position 9365, A replaced by G.
Protein change: p.Gln3122Arg; replaces glutamine 3122 with arginine.
Molecular consequence: missense variant.
Genome position (GRCh38, 1-based): chr16:88,436,835, A>G. VCF-style: chr16-88436835-A-G. GRCh37 (hg19) VCF-style: chr16-88503243-A-G.
Other names: NM_001127464.1:c.9281A>G; short protein forms Q3122R.
Identifiers: ClinVar variation 1766430 (VCV001766430.5), dbSNP rs376055908, ClinGen allele CA8225425.
Genomic context (GRCh38, chr16:88,436,835, plus strand): 5'-AAGGCAGAGGCCGGCCGGCCAAGGGCAGGCGGGCCTCCTACAAGTGCAAAGTGTGCTTCC[A>G]GCGCTTCCGCAGCCTGGGCGAGCTGGACCTGCACAAGCTGGCCCACACGCCCGCGCCGCC-3'
Protein context (NP_001354553.1, residues 3112-3132): RASYKCKVCF[Gln3122Arg]RFRSLGELDL

ClinVar aggregate classification (germline): Conflicting classifications of pathogenicity. Review status: criteria provided, conflicting classifications (1 of 4 stars). 2 submissions from 2 submitters: Uncertain significance (1); Likely benign (1). Last evaluated 2024-08-05.

Conditions:
Cardiovascular phenotype. Identifiers: MedGen CN230736.

Allele frequency attached by ClinVar (database versions not stated): gnomAD exomes 0.00001; TOPMed 0.00012; gnomAD 0.00013.
gnomAD v4.1: 27 of 1,535,374 alleles (0.0018%); highest among the groups gnomAD compares: African/African-American, 0.036%; no homozygotes.

Submissions (2):

Ambry Genetics
Classification: Likely benign for Cardiovascular phenotype. Last evaluated: 2024-08-05. Review status: criteria provided, single submitter. Criteria: Ambry Variant Classification Scheme 2023. Collection method: clinical testing. Allele origin: germline.

Labcorp Genetics (formerly Invitae), Labcorp
Classification: Uncertain significance. Last evaluated: 2022-01-16. Review status: criteria provided, single submitter. Criteria: Invitae Variant Classification Sherloc (09022015). Collection method: clinical testing. Allele origin: germline.
Comment: This sequence change replaces glutamine, which is neutral and polar, with arginine, which is basic and polar, at codon 3094 of the ZNF469 protein (p.Gln3094Arg). This variant is present in population databases (rs376055908, gnomAD 0.06%). This variant has not been reported in the literature in individuals affected with ZNF469-related conditions. Algorithms developed to predict the effect of missense changes on protein structure and function output the following: SIFT: "Deleterious"; PolyPhen-2: "Benign"; Align-GVGD: "Class C0". The arginine amino acid residue is found in multiple mammalian species, which suggests that this missense change does not adversely affect protein function. In summary, the available evidence is currently insufficient to determine the role of this variant in disease. Therefore, it has been classified as a Variant of Uncertain Significance.